The following is an entry in ClinVar:

ClinVar aggregate classification (germline): Pathogenic (1 of 4 stars; one submission).

Conditions:
Multiple congenital anomalies-hypotonia-seizures syndrome 2 (MCAHS2). Also called: GLYCOSYLPHOSPHATIDYLINOSITOL BIOSYNTHESIS DEFECT 4; EPILEPTIC ENCEPHALOPATHY, EARLY INFANTILE, 20. Identifiers: Orphanet 300496, MedGen C3275508, MONDO:0010466, OMIM 300868.

Submission:

Labcorp Genetics (formerly Invitae), Labcorp
Classification: Pathogenic for Multiple congenital anomalies-hypotonia-seizures syndrome 2. Last evaluated: 2022-07-12. Review status: criteria provided, single submitter. Criteria: Invitae Variant Classification Sherloc (09022015). Collection method: clinical testing. Allele origin: germline.
Comment: This sequence change replaces aspartic acid, which is acidic and polar, with asparagine, which is neutral and polar, at codon 452 of the PIGA protein (p.Asp452Asn). For these reasons, this variant has been classified as Pathogenic. This variant disrupts the p.Asp452 amino acid residue in PIGA. Other variant(s) that disrupt this residue have been determined to be pathogenic (PMID: 31704190). This suggests that this residue is clinically significant, and that variants that disrupt this residue are likely to be disease-causing. Algorithms developed to predict the effect of missense changes on protein structure and function are either unavailable or do not agree on the potential impact of this missense change (SIFT: "Deleterious"; PolyPhen-2: "Probably Damaging"; Align-GVGD: "Class C0"). ClinVar contains an entry for this variant (Variation ID: 860851). This missense change has been observed in individual(s) with clinical features of PIGA-congenital disorder of glycosylation (Invitae). In at least one individual the variant was observed to be de novo. This variant is not present in population databases (gnomAD no frequency).

Literature cited by the submitters: PubMed 31704190.

NM_002641.4(PIGA):c.1354G>A (p.Asp452Asn)

Gene: PIGA (phosphatidylinositol glycan anchor biosynthesis class A; minus strand). Cytogenetic location: Xp22.2.
Variant type: single nucleotide variant.
Coding change: c.1354G>A on transcript NM_002641.4 (MANE Select); coding-DNA position 1354, G replaced by A.
Protein change: p.Asp452Asn; replaces aspartic acid 452 with asparagine.
Molecular consequence: missense variant. On other transcripts: non-coding transcript variant (2).
Genome position (GRCh38, 1-based): chrX:15,321,607, C>T on the plus strand (G>A on the coding strand, the complement: PIGA is on the minus strand). VCF-style: chrX-15321607-C-T. GRCh37 (hg19) VCF-style: chrX-15339729-C-T.
Other names: c.652G>A, p.Asp218Asn (NM_020473.3); short protein forms D452N, D218N.
Identifiers: ClinVar variation 860851 (VCV000860851.10), dbSNP rs1921817809, ClinGen allele CA412334030.
Genomic context (GRCh38, chrX:15,321,607, plus strand): 5'-TACTGTGAGAATAGTTATTAGTCCAGGCACCCCGTGGCCCAGTGGCATCTATTGCAACAT[C>T]AATGATAGAATCTGGAGTCATCCATCTCAAGAAAATGAGGAAGAGGAAGTTGAAAACTGC-3'
Protein context (NP_002632.1, residues 442-462): LRWMTPDSII[Asp452Asn]VAIDATGPRG